The following is an entry in ClinVar:

ClinVar aggregate classification (germline): Uncertain significance. Review status: criteria provided, multiple submitters, no conflicts (2 of 4 stars). 2 submissions from 2 submitters: Uncertain significance (2). Last evaluated 2022-05-04.

Conditions:
Koolen-de Vries syndrome (KDVS). Identifiers: Orphanet 96169, MedGen C1864871, MONDO:0012496, OMIM 610443.

Allele frequency attached by ClinVar (database versions not stated): TOPMed 0.00001.
gnomAD v4.1: 3 of 1,614,038 alleles (0.00019%); highest among the groups gnomAD compares: Non-Finnish European, 0.00025%; no homozygotes.

Submissions (2):

Mendelics
Classification: Uncertain significance. Last evaluated: 2022-05-04. Review status: criteria provided, single submitter. Criteria: Mendelics Assertion Criteria 2019. Collection method: clinical testing. Allele origin: germline.

Labcorp Genetics (formerly Invitae), Labcorp
Classification: Uncertain significance for Koolen-de Vries syndrome. Last evaluated: 2018-12-13. Review status: criteria provided, single submitter. Criteria: Invitae Variant Classification Sherloc (09022015). Collection method: clinical testing. Allele origin: germline.
Comment: In summary, the available evidence is currently insufficient to determine the role of this variant in disease. Therefore, it has been classified as a Variant of Uncertain Significance. Algorithms developed to predict the effect of missense changes on protein structure and function are either unavailable or do not agree on the potential impact of this missense change (SIFT: "Tolerated"; PolyPhen-2: "Possibly Damaging"; Align-GVGD: "Class C0"). This variant has not been reported in the literature in individuals with KANSL1-related conditions. This variant is not present in population databases (ExAC no frequency). This sequence change replaces threonine with asparagine at codon 1018 of the KANSL1 protein (p.Thr1018Asn). The threonine residue is highly conserved and there is a small physicochemical difference between threonine and asparagine.

NM_015443.4(KANSL1):c.3053C>A (p.Thr1018Asn)

Gene: KANSL1 (KAT8 regulatory NSL complex subunit 1). Cytogenetic location: 17q21.31.
Variant type: single nucleotide variant.
Coding change: c.3053C>A on transcript NM_015443.4 (MANE Select); coding-DNA position 3053, C replaced by A.
Protein change: p.Thr1018Asn; replaces threonine 1018 with asparagine.
Molecular consequence: missense variant.
Genome position (GRCh38, 1-based): chr17:46,032,084, G>T on the plus strand (C>A on the coding strand, the complement: KANSL1 is on the minus strand). VCF-style: chr17-46032084-G-T. GRCh37 (hg19) VCF-style: chr17-44109450-G-T.
Other names: c.3050C>A, p.Thr1017Asn (NM_001193465.2); c.3053C>A, p.Thr1018Asn (NM_001193466.2, NM_001379198.1); short protein forms T1017N, T1018N.
Identifiers: ClinVar variation 643495 (VCV000643495.9), dbSNP rs145863194, ClinGen allele CA399986371.